The following is an entry in ClinVar:

NM_002691.4(POLD1):c.3197A>G (p.His1066Arg)

Gene: POLD1 (DNA polymerase delta 1, catalytic subunit; plus strand). Cytogenetic location: 19q13.33.
Variant type: single nucleotide variant.
Coding change: c.3197A>G on transcript NM_002691.4 (MANE Select); coding-DNA position 3197, A replaced by G.
Protein change: p.His1066Arg; replaces histidine 1066 with arginine.
Molecular consequence: missense variant. On other transcripts: non-coding transcript variant (1).
Genome position (GRCh38, 1-based): chr19:50,417,248, A>G. VCF-style: chr19-50417248-A-G. GRCh37 (hg19) VCF-style: chr19-50920505-A-G.
Other names: c.3197A>G, p.His1066Arg (NM_001256849.1); c.3275A>G, p.His1092Arg (NM_001308632.1); short protein forms H1092R, H1066R.
Identifiers: ClinVar variation 469328 (VCV000469328.13), dbSNP rs762828545, ClinGen allele CA9596786.

ClinVar aggregate classification (germline): Uncertain significance. Review status: criteria provided, multiple submitters, no conflicts (2 of 4 stars). 3 submissions from 3 submitters: Uncertain significance (3). Last evaluated 2025-07-08.

Conditions:
Mandibular hypoplasia-deafness-progeroid syndrome. Also called: Mandibular hypoplasia, deafness, progeroid features, and lipodystrophy syndrome. Identifiers: Orphanet 363649, MedGen C3715192, MONDO:0014157, OMIM 615381.
Immunodeficiency 120. Identifiers: MedGen C5935622, MONDO:0970994, OMIM 620836.
POLD1-related polyposis and colorectal cancer syndrome (CRCS10). Also called: Colorectal cancer 10; COLORECTAL CANCER, SUSCEPTIBILITY TO, ON CHROMOSOME 19q; Colorectal cancer, susceptibility to, 10. Identifiers: Orphanet 220460, MedGen C2675481, MONDO:0012953, OMIM 612591.
Hereditary cancer-predisposing syndrome. Also called: Neoplastic Syndromes, Hereditary; Hereditary neoplastic syndrome; Tumor predisposition; Hereditary Cancer Syndrome. Identifiers: Orphanet 140162, MedGen C0027672, MeSH D009386, MONDO:0015356.

Allele frequency attached by ClinVar (database versions not stated): gnomAD 0.00001; gnomAD exomes 0.00001 and 0.00003; ExAC 0.00003.
gnomAD v4.1: 40 of 1,599,878 alleles (0.0025%); highest among the groups gnomAD compares: Non-Finnish European, 0.0034%; no homozygotes.

Submissions (3):

Labcorp Genetics (formerly Invitae), Labcorp
Classification: Uncertain significance for POLD1-related polyposis and colorectal cancer syndrome. Last evaluated: 2025-07-08. Review status: criteria provided, single submitter. Criteria: Invitae Variant Classification Sherloc (09022015). Collection method: clinical testing. Allele origin: germline.
Comment: This sequence change replaces histidine, which is basic and polar, with arginine, which is basic and polar, at codon 1066 of the POLD1 protein (p.His1066Arg). This variant is present in population databases (rs762828545, gnomAD 0.003%). This variant has not been reported in the literature in individuals affected with POLD1-related conditions. ClinVar contains an entry for this variant (Variation ID: 469328). Invitae Evidence Modeling of protein sequence and biophysical properties (such as structural, functional, and spatial information, amino acid conservation, physicochemical variation, residue mobility, and thermodynamic stability) indicates that this missense variant is not expected to disrupt POLD1 protein function with a negative predictive value of 80%. In summary, the available evidence is currently insufficient to determine the role of this variant in disease. Therefore, it has been classified as a Variant of Uncertain Significance.

Ambry Genetics
Classification: Uncertain significance for Hereditary cancer-predisposing syndrome. Last evaluated: 2024-01-12. Review status: criteria provided, single submitter. Criteria: Ambry Variant Classification Scheme 2023. Collection method: clinical testing. Allele origin: germline.
Comment: The p.H1066R variant (also known as c.3197A>G), located in coding exon 25 of the POLD1 gene, results from an A to G substitution at nucleotide position 3197. The histidine at codon 1066 is replaced by arginine, an amino acid with highly similar properties. This amino acid position is conserved. In addition, this alteration is predicted to be tolerated by in silico analysis. Since supporting evidence is limited at this time, the clinical significance of this alteration remains unclear.

Fulgent Genetics
Classification: Uncertain significance for POLD1-related polyposis and colorectal cancer syndrome; Mandibular hypoplasia-deafness-progeroid syndrome; Immunodeficiency 120. Last evaluated: 2023-12-29. Review status: criteria provided, single submitter. Criteria: ACMG Guidelines, 2015. Collection method: clinical testing. Allele origin: germline.